The following is an entry in ClinVar:

NM_006859.4(LIAS):c.485A>G (p.Asn162Ser)

Gene: LIAS (lipoic acid synthetase; plus strand). Cytogenetic location: 4p14.
Variant type: single nucleotide variant.
Coding change: c.485A>G on transcript NM_006859.4 (MANE Select); coding-DNA position 485, A replaced by G.
Protein change: p.Asn162Ser; replaces asparagine 162 with serine.
Molecular consequence: missense variant. On other transcripts: intron variant (1).
Genome position (GRCh38, 1-based): chr4:39,465,137, A>G. VCF-style: chr4-39465137-A-G. GRCh37 (hg19) VCF-style: chr4-39466757-A-G.
Other names: c.485A>G, p.Asn162Ser (NM_001278590.2, NM_194451.3); c.299+1532A>G (NM_001363700.2); short protein forms N162S.
Identifiers: ClinVar variation 1412423 (VCV001412423.4), dbSNP rs1744708957, ClinGen allele CA356664535.

ClinVar aggregate classification (germline): Uncertain significance (1 of 4 stars; one submission).

Conditions:
Lipoic acid synthetase deficiency. Also called: HYPERGLYCINEMIA, LACTIC ACIDOSIS, AND SEIZURES. Identifiers: Orphanet 401859, MedGen C3280887, MONDO:0013762, OMIM 614462.

Allele frequency attached by ClinVar (database versions not stated): TOPMed below 0.00001.

Submission:

Labcorp Genetics (formerly Invitae), Labcorp
Classification: Uncertain significance for Lipoic acid synthetase deficiency. Last evaluated: 2025-09-23. Review status: criteria provided, single submitter. Criteria: Invitae Variant Classification Sherloc (09022015). Collection method: clinical testing. Allele origin: germline.
Comment: This sequence change replaces asparagine, which is neutral and polar, with serine, which is neutral and polar, at codon 162 of the LIAS protein (p.Asn162Ser). This variant is not present in population databases (gnomAD no frequency). This variant has not been reported in the literature in individuals affected with LIAS-related conditions. ClinVar contains an entry for this variant (Variation ID: 1412423). Invitae Evidence Modeling of protein sequence and biophysical properties (such as structural, functional, and spatial information, amino acid conservation, physicochemical variation, residue mobility, and thermodynamic stability) indicates that this missense variant is not expected to disrupt LIAS protein function with a negative predictive value of 80%. In summary, the available evidence is currently insufficient to determine the role of this variant in disease. Therefore, it has been classified as a Variant of Uncertain Significance.